The following is an entry in ClinVar:

NM_025137.4(SPG11):c.1214A>C (p.Lys405Thr)

Gene: SPG11 (SPG11 vesicle trafficking associated, spatacsin; minus strand). Cytogenetic location: 15q21.1.
Variant type: single nucleotide variant.
Coding change: c.1214A>C on transcript NM_025137.4 (MANE Select); coding-DNA position 1214, A replaced by C.
Protein change: p.Lys405Thr; replaces lysine 405 with threonine.
Molecular consequence: missense variant.
Genome position (GRCh38, 1-based): chr15:44,651,733, T>G on the plus strand (A>C on the coding strand, the complement: SPG11 is on the minus strand). VCF-style: chr15-44651733-T-G. GRCh37 (hg19) VCF-style: chr15-44943931-T-G.
Other names: c.1214A>C, p.Lys405Thr (NM_001160227.2); short protein forms K405T.
Identifiers: ClinVar variation 945854 (VCV000945854.7), dbSNP rs756326438, ClinGen allele CA7535594.
Genomic context (GRCh38, chr15:44,651,733, plus strand): 5'-ATGGGTTCCTCTTGTTCACTGATGTGCATTATTTTCCATGATCTTCCTGGATCACTGGTC[T>G]TGGCATGATCTTTCTGTAGAACATTATATTGCCCATGCATTATGTCCTGTGGAATGAAGG-3'
Protein context (NP_079413.3, residues 395-415): QYNVLQKDHA[Lys405Thr]TSDPGRSWKI

ClinVar aggregate classification (germline): Uncertain significance. Review status: criteria provided, multiple submitters, no conflicts (2 of 4 stars). 3 submissions from 3 submitters: Uncertain significance (3). Last evaluated 2025-11-05.

Conditions:
Hereditary spastic paraplegia 11. Also called: Spastic Paraplegia 11; Nakamura Osame syndrome; Autosomal recessive hereditary spastic paraplegia, mental impairment, and thin corpus callosum; Spastic paraplegia, mental retardation and thin corpus callosum; SPASTIC PARAPLEGIA, AUTOSOMAL RECESSIVE, COMPLICATED, WITH THIN CORPUS CALLOSUM; SPASTIC PARAPLEGIA, AUTOSOMAL RECESSIVE, WITH MENTAL IMPAIRMENT AND THIN CORPUS CALLOSUM. Identifiers: Orphanet 2822, MedGen C1858479, MONDO:0011445, OMIM 604360.
Inborn genetic diseases. Identifiers: MedGen C0950123, MeSH D030342.

Allele frequency attached by ClinVar (database versions not stated): gnomAD exomes 0.00002 and 0.00001; TOPMed 0.00002; ExAC 0.00002; gnomAD 0.00002.
gnomAD v4.1: 27 of 1,614,152 alleles (0.0017%); highest among the groups gnomAD compares: Middle Eastern, 0.016%; no homozygotes.

Submissions (3):

Ambry Genetics
Classification: Uncertain significance for Inborn genetic diseases. Last evaluated: 2025-11-05. Review status: criteria provided, single submitter. Criteria: Ambry Variant Classification Scheme 2023. Collection method: clinical testing. Allele origin: germline.

Labcorp Genetics (formerly Invitae), Labcorp
Classification: Uncertain significance for Hereditary spastic paraplegia 11. Last evaluated: 2021-12-27. Review status: criteria provided, single submitter. Criteria: Invitae Variant Classification Sherloc (09022015). Collection method: clinical testing. Allele origin: germline.
Comment: This sequence change replaces lysine, which is basic and polar, with threonine, which is neutral and polar, at codon 405 of the SPG11 protein (p.Lys405Thr). This variant is present in population databases (rs756326438, gnomAD 0.004%). This variant has not been reported in the literature in individuals affected with SPG11-related conditions. ClinVar contains an entry for this variant (Variation ID: 945854). Algorithms developed to predict the effect of missense changes on protein structure and function are either unavailable or do not agree on the potential impact of this missense change (SIFT: "Deleterious"; PolyPhen-2: "Possibly Damaging"; Align-GVGD: "Class C0"). In summary, the available evidence is currently insufficient to determine the role of this variant in disease. Therefore, it has been classified as a Variant of Uncertain Significance.

Breakthrough Genomics
Classification: Uncertain significance. Review status: criteria provided, single submitter. Criteria: ACMG Guidelines, 2015. Collection method: not provided. Allele origin: germline. Inheritance: Autosomal recessive inheritance. Affected: yes.